The following is an entry in ClinVar:

ClinVar aggregate classification (germline): Pathogenic/Likely pathogenic. Review status: criteria provided, multiple submitters, no conflicts (2 of 4 stars). 8 submissions from 8 submitters: Pathogenic (1); Likely pathogenic (7). Last evaluated 2026-01-20.

Conditions:
Maple syrup urine disease (MSUD). Identifiers: Orphanet 511, MedGen C0024776, MeSH D008375, MONDO:0009563. Disease mechanism: loss of function.
Maple syrup urine disease type 1B (MSUD1B). Also called: MSUD type IB; MSUD type 3 (formerly); MSUD due to deficiency of e1-beta subunit of branched-chain alpha-keto acid dehydrogenase complex. Identifiers: MedGen C2930990, MONDO:0023692, OMIM 620698.

Allele frequency attached by ClinVar (database versions not stated): TOPMed 0.00001; 1000 Genomes Project 30x 0.00031; ESP Exome Variant Server 0.00015; 1000 Genomes Project 0.00020.
gnomAD v4.1: 56 of 1,614,124 alleles (0.0035%); highest among the groups gnomAD compares: South Asian, 0.0044%; no homozygotes.

Submissions (8):

Labcorp Genetics (formerly Invitae), Labcorp
Classification: Pathogenic for Maple syrup urine disease. Last evaluated: 2026-01-20. Review status: criteria provided, single submitter. Criteria: Invitae Variant Classification Sherloc (09022015). Collection method: clinical testing. Allele origin: germline.
Comment: This sequence change replaces arginine, which is basic and polar, with tryptophan, which is neutral and slightly polar, at codon 183 of the BCKDHB protein (p.Arg183Trp). This variant is present in population databases (rs149766077, gnomAD 0.004%). This missense change has been observed in individuals with maple syrup urine disease (PMID: 19480318, 31980395, 34556729). ClinVar contains an entry for this variant (Variation ID: 96595). Invitae Evidence Modeling of protein sequence and biophysical properties (such as structural, functional, and spatial information, amino acid conservation, physicochemical variation, residue mobility, and thermodynamic stability) indicates that this missense variant is expected to disrupt BCKDHB protein function with a positive predictive value of 80%. This variant disrupts the p.Arg183 amino acid residue in BCKDHB. Other variant(s) that disrupt this residue have been determined to be pathogenic (PMID: 11509994, 26257134). This suggests that this residue is clinically significant, and that variants that disrupt this residue are likely to be disease-causing. For these reasons, this variant has been classified as Pathogenic.

Natera, Inc.
Classification: Likely pathogenic for Maple syrup urine disease type 1B. Last evaluated: 2025-06-27. Review status: criteria provided, single submitter. Criteria: Natera Variant Classification Schema (03/2026). Collection method: clinical testing. Allele origin: germline.
Comment: The c.547C>T variant in BCKDHB is a missense variant predicted to cause substitution of arginine to tryptophan at amino acid 183. This variant is rare in the general population with a frequency below the threshold expected for the associated phenotype(s). This variant has been observed in one or more individuals affected with the associated recessive disease, as either homozygous or compound heterozygous with a second variant (PMID: 19480318, 31980395, 39456016). A different variant at the same position has been determined to be Pathogenic or Likely Pathogenic. Computational prediction algorithms indicate this variant is likely to affect gene or protein function. Given the available evidence, this variant is classified as Likely Pathogenic.

CeGaT Center for Human Genetics Tuebingen
Classification: Likely pathogenic. Last evaluated: 2023-08-01. Review status: criteria provided, single submitter. Criteria: CeGaT Center For Human Genetics Tuebingen Variant Classification Criteria Version 2. Collection method: clinical testing. Allele origin: germline. Affected: yes. Observed: 2 variant alleles.
Comment: BCKDHB: PM2, PM3, PM5, PP4:Moderate, PP3

Baylor Genetics
Classification: Likely pathogenic for Maple syrup urine disease type 1A. Last evaluated: 2023-06-11. Review status: criteria provided, single submitter. Criteria: ACMG Guidelines, 2015. Collection method: clinical testing. Allele origin: unknown.

Women's Health and Genetics/Laboratory Corporation of America, LabCorp
Classification: Likely pathogenic for Maple syrup urine disease. Last evaluated: 2022-06-03. Review status: criteria provided, single submitter. Criteria: LabCorp Variant Classification Summary - May 2015. Collection method: clinical testing. Allele origin: germline.
Comment: Variant summary: BCKDHB c.547C>T (p.Arg183Trp) results in a non-conservative amino acid change located in the Transketolase-like, pyrimidine-binding domain (IPR005475) of the encoded protein sequence. Five of five in-silico tools predict a damaging effect of the variant on protein function. The variant allele was found at a frequency of 3.2e-05 in 251356 control chromosomes (gnomAD). c.547C>T has been reported in the literature in a homozygous and a compound heterozygous individual affected with Maple Syrup Urine Disease (examples: Gorzelany_2009 and Strauss_2020). These data indicate that the variant is associated with disease. Other variants affecting the same residue (p.R183Q and p.R183P) have been associated with Maple syrup urine disease in HGMD. Five clinical diagnostic laboratories have submitted clinical-significance assessments for this variant to ClinVar after 2014 without evidence for independent evaluation. All laboratories classified the variant as likely pathogenic. Based on the evidence outlined above, the variant was classified as likely pathogenic.

GeneDx
Classification: Likely pathogenic. Last evaluated: 2017-09-07. Review status: criteria provided, single submitter. Criteria: GeneDx Variant Classification (06012015). Collection method: clinical testing. Allele origin: germline. Affected: yes.
Comment: The R183W variant in the BCKDHB gene has previously been reported in association with classic maple syrup urine disease (MSUD) in an individual who was homozygous for R183W (Gorzelany et al., 2009).The R183W variant is not observed at a significant frequency in large population cohorts (Lek et al., 2016; 1000 Genomes Consortium et al., 2015; Exome Variant Server). The R183W variant is a non-conservative amino acid substitution, which is likely to impact secondary protein structure as these residues differ in polarity, charge, size and/or other properties. This substitution occurs at a position that is conserved across species, and in silico analysis predicts this variant is probably damaging to the protein structure/function. Another missense variant at this position (R183P) has also been reported in association with MSUD (Edelmann et al., 2001), supporting the functional importance of this region of the protein. In summary, this variant is likely pathogenic; however, the possibility that it is benign cannot be excluded

Eurofins Ntd Llc (ga)
Classification: Likely pathogenic. Last evaluated: 2015-12-17. Review status: criteria provided, single submitter. Criteria: EGL Classification Definitions. Collection method: clinical testing. Allele origin: germline. Observed: 5 variant alleles, 5 heterozygotes.

Neuberg Centre For Genomic Medicine, NCGM
Classification: Likely pathogenic for Maple syrup urine disease type 1A. Review status: criteria provided, single submitter. Criteria: ACMG Guidelines, 2015. Collection method: clinical testing. Allele origin: germline. Inheritance: Autosomal recessive inheritance. Affected: yes.
Comment: The BCKDHB c.547C>T variant has been reported in heterozygous state in individual affected with Maple syrup urine disease, type Ib (Fang et al., 2021). This variant is reported with an allele frequency of 0.0003183% in gnomAD database. It has been reported to the ClinVar database as Likely Pathogenic. The amino acid Arg at position 183 is changed to a Trp changing protein sequence and it might alter its composition and physico-chemical properties. The amino acid change p.Arg183Trp in BCKDHB is predicted as conserved by GERP++ and PhyloP across 100 vertebrates. For these reasons, this variant has been classified as Likely Pathogenic. In the absence of other reportable variant, the molecular diagnosis is not confirmed.

Literature cited by the submitters: PubMed 19480318 (cited by 3 submitters); PubMed 31980395 (cited by 3 submitters); PubMed 34556729 (cited by Labcorp Genetics (formerly Invitae), Labcorp); PubMed 11509994 (cited by Labcorp Genetics (formerly Invitae), Labcorp); PubMed 26257134 (cited by Labcorp Genetics (formerly Invitae), Labcorp); PubMed 39456016 (cited by Natera, Inc.); PubMed 28197878 (cited by Women's Health and Genetics/Laboratory Corporation of America, LabCorp).

NM_183050.4(BCKDHB):c.547C>T (p.Arg183Trp)

Gene: BCKDHB (branched chain keto acid dehydrogenase E1 subunit beta; plus strand). Cytogenetic location: 6q14.1.
Variant type: single nucleotide variant.
Coding change: c.547C>T on transcript NM_183050.4 (MANE Select); coding-DNA position 547, C replaced by T.
Protein change: p.Arg183Trp; replaces arginine 183 with tryptophan.
Molecular consequence: missense variant. On other transcripts: non-coding transcript variant (1).
Genome position (GRCh38, 1-based): chr6:80,168,944, C>T. VCF-style: chr6-80168944-C-T. GRCh37 (hg19) VCF-style: chr6-80878661-C-T.
Other names: c.547C>T (NM_183050.3); c.547C>T, p.Arg183Trp (NM_000056.5); c.337C>T, p.Arg113Trp (NM_001318975.1); short protein forms R183W, R113W.
Identifiers: ClinVar variation 96595 (VCV000096595.48), dbSNP rs149766077, ClinGen allele CA224315.